The following is an entry in ClinVar:

NM_021942.6(TRAPPC11):c.2545G>A (p.Gly849Ser)

Gene: TRAPPC11 (trafficking protein particle complex subunit 11; plus strand). Cytogenetic location: 4q35.1.
Variant type: single nucleotide variant.
Coding change: c.2545G>A on transcript NM_021942.6 (MANE Select); coding-DNA position 2545, G replaced by A.
Protein change: p.Gly849Ser; replaces glycine 849 with serine.
Molecular consequence: missense variant.
Genome position (GRCh38, 1-based): chr4:183,694,640, G>A. VCF-style: chr4-183694640-G-A. GRCh37 (hg19) VCF-style: chr4-184615793-G-A.
Other names: c.2545G>A, p.Gly849Ser (NM_199053.3); short protein forms G849S.
Identifiers: ClinVar variation 2420728 (VCV002420728.8), dbSNP rs2476919555, ClinGen allele CA358872240.

ClinVar aggregate classification (germline): Uncertain significance (1 of 4 stars; one submission).

Conditions:
Autosomal recessive limb-girdle muscular dystrophy type R18 (LGMDR18). Also called: MUSCULAR DYSTROPHY, LIMB-GIRDLE, AUTOSOMAL RECESSIVE 18; Autosomal recessive limb-girdle muscular dystrophy type 2S; Limb-girdle muscular dystrophy, type 2S. Identifiers: Orphanet 369840, MedGen C4517996, MONDO:0014144, OMIM 615356.

Allele frequency attached by ClinVar (database versions not stated): gnomAD exomes below 0.00001.

Submission:

Labcorp Genetics (formerly Invitae), Labcorp
Classification: Uncertain significance for Autosomal recessive limb-girdle muscular dystrophy type R18. Last evaluated: 2023-10-13. Review status: criteria provided, single submitter. Criteria: Invitae Variant Classification Sherloc (09022015). Collection method: clinical testing. Allele origin: germline.
Comment: This sequence change replaces glycine, which is neutral and non-polar, with serine, which is neutral and polar, at codon 849 of the TRAPPC11 protein (p.Gly849Ser). This variant is not present in population databases (gnomAD no frequency). This variant has not been reported in the literature in individuals affected with TRAPPC11-related conditions. ClinVar contains an entry for this variant (Variation ID: 2420728). Advanced modeling of protein sequence and biophysical properties (such as structural, functional, and spatial information, amino acid conservation, physicochemical variation, residue mobility, and thermodynamic stability) performed at Invitae indicates that this missense variant is not expected to disrupt TRAPPC11 protein function. Algorithms developed to predict the effect of sequence changes on RNA splicing suggest that this variant may create or strengthen a splice site. In summary, the available evidence is currently insufficient to determine the role of this variant in disease. Therefore, it has been classified as a Variant of Uncertain Significance.